The following is an entry in ClinVar:

ClinVar aggregate classification (germline): Uncertain significance (1 of 4 stars; one submission).

Conditions:
Primary ciliary dyskinesia. Also called: Ciliary dyskinesia. Identifiers: Orphanet 244, MedGen C0008780, MONDO:0016575, HP:0012265.

gnomAD v4.1: 3 of 1,613,814 alleles (0.00019%); highest among the groups gnomAD compares: South Asian, 0.0033%; no homozygotes.

Submission:

Ambry Genetics
Classification: Uncertain significance for Primary ciliary dyskinesia. Last evaluated: 2025-06-15. Review status: criteria provided, single submitter. Criteria: Ambry Variant Classification Scheme 2023. Collection method: clinical testing. Allele origin: germline.
Comment: The p.T652P variant (also known as c.1954A>C), located in coding exon 10 of the DNAAF5 gene, results from an A to C substitution at nucleotide position 1954. The threonine at codon 652 is replaced by proline, an amino acid with highly similar properties. This amino acid position is conserved. In addition, this alteration is predicted to be tolerated by in silico analysis. Based on the available evidence, the clinical significance of this variant remains unclear.

NM_017802.4(DNAAF5):c.1954A>C (p.Thr652Pro)

Gene: DNAAF5 (dynein axonemal assembly factor 5; plus strand). Cytogenetic location: 7p22.3.
Variant type: single nucleotide variant.
Coding change: c.1954A>C on transcript NM_017802.4 (MANE Select); coding-DNA position 1954, A replaced by C.
Protein change: p.Thr652Pro; replaces threonine 652 with proline.
Molecular consequence: missense variant. On other transcripts: non-coding transcript variant (1).
Genome position (GRCh38, 1-based): chr7:774,070, A>C. VCF-style: chr7-774070-A-C. GRCh37 (hg19) VCF-style: chr7-813707-A-C.
Other names: short protein forms T652P.
Identifiers: ClinVar variation 4241804 (VCV004241804.1).
Genomic context (GRCh38, chr7:774,070, plus strand): 5'-TCCGGTCTCCTCATCCACCCTCTCCGTTCCGGTTCCAGGCAGTTTCCCAGCTACCTCGAG[A>C]CGGTGACAAAGGACATCCTGGCCCCCAATCTGCAGTGGCATGCGGGGAGGACAGCCGCGG-3'
Protein context (NP_060272.3, residues 642-662): SQGQFPSYLE[Thr652Pro]VTKDILAPNL